The following is an entry in ClinVar:

NM_152743.4(BRAT1):c.676G>A (p.Gly226Arg)

Gene: BRAT1 (BRCA1 associated ATM activator 1; minus strand). Cytogenetic location: 7p22.3.
Variant type: single nucleotide variant.
Coding change: c.676G>A on transcript NM_152743.4 (MANE Select); coding-DNA position 676, G replaced by A.
Protein change: p.Gly226Arg; replaces glycine 226 with arginine.
Molecular consequence: missense variant. On other transcripts: non-coding transcript variant (1).
Genome position (GRCh38, 1-based): chr7:2,543,717, C>T on the plus strand (G>A on the coding strand, the complement: BRAT1 is on the minus strand). VCF-style: chr7-2543717-C-T. GRCh37 (hg19) VCF-style: chr7-2583351-C-T.
Other names: c.676G>A, p.Gly226Arg (NM_001350626.2); c.151G>A, p.Gly51Arg (NM_001350627.2); short protein forms G226R, G51R.
Identifiers: ClinVar variation 940465 (VCV000940465.8), dbSNP rs757941515, ClinGen allele CA4128126.

ClinVar aggregate classification (germline): Uncertain significance. Review status: criteria provided, multiple submitters, no conflicts (2 of 4 stars). 2 submissions from 2 submitters: Uncertain significance (2). Last evaluated 2023-07-11.

Conditions:
Inborn genetic diseases. Identifiers: MedGen C0950123, MeSH D030342.
Neonatal-onset encephalopathy with rigidity and seizures. Also called: Lethal neonatal spasticity-epileptic encephalopathy syndrome. Identifiers: Orphanet 435845, MedGen C3281029, MONDO:0013784, OMIM 614498.

Allele frequency attached by ClinVar (database versions not stated): ExAC 0.00001; gnomAD 0.00001; gnomAD exomes 0.00001 and 0.00002; TOPMed 0.00006.
gnomAD v4.1: 28 of 1,584,888 alleles (0.0018%); highest among the groups gnomAD compares: Middle Eastern, 0.017%; no homozygotes.

Submissions (2):

Ambry Genetics
Classification: Uncertain significance for Inborn genetic diseases. Last evaluated: 2023-07-11. Review status: criteria provided, single submitter. Criteria: Ambry Variant Classification Scheme 2023. Collection method: clinical testing. Allele origin: germline.

Labcorp Genetics (formerly Invitae), Labcorp
Classification: Uncertain significance for Neonatal-onset encephalopathy with rigidity and seizures. Last evaluated: 2021-08-27. Review status: criteria provided, single submitter. Criteria: Invitae Variant Classification Sherloc (09022015). Collection method: clinical testing. Allele origin: germline.
Comment: This sequence change replaces glycine with arginine at codon 226 of the BRAT1 protein (p.Gly226Arg). The glycine residue is highly conserved and there is a moderate physicochemical difference between glycine and arginine. This variant is present in population databases (rs757941515, ExAC 0.002%). This variant has not been reported in the literature in individuals affected with BRAT1-related conditions. Algorithms developed to predict the effect of missense changes on protein structure and function are either unavailable or do not agree on the potential impact of this missense change (SIFT: "Deleterious"; PolyPhen-2: "Benign"; Align-GVGD: "Class C0"). Algorithms developed to predict the effect of sequence changes on RNA splicing suggest that this variant may create or strengthen a splice site. In summary, the available evidence is currently insufficient to determine the role of this variant in disease. Therefore, it has been classified as a Variant of Uncertain Significance.